The following is an entry in ClinVar:

NM_015158.5(KANK1):c.1850A>G (p.Lys617Arg)

Gene: KANK1 (KN motif and ankyrin repeat domains 1; plus strand). Cytogenetic location: 9p24.3.
Variant type: single nucleotide variant.
Coding change: c.1850A>G on transcript NM_015158.5 (MANE Select); coding-DNA position 1850, A replaced by G.
Protein change: p.Lys617Arg; replaces lysine 617 with arginine.
Molecular consequence: missense variant. On other transcripts: non-coding transcript variant (1).
Genome position (GRCh38, 1-based): chr9:712,616, A>G. VCF-style: chr9-712616-A-G. GRCh37 (hg19) VCF-style: chr9-712616-A-G.
Other names: c.1850A>G, p.Lys617Arg (NM_001256876.3, NM_001256877.3, NM_001354331.2 and 3 more transcripts); c.1376A>G, p.Lys459Arg (NM_001354333.2, NM_001354335.2, NM_001354336.2 and 10 more transcripts); short protein forms K459R, K617R.
Identifiers: ClinVar variation 4807486 (VCV004807486.1).

ClinVar aggregate classification (germline): Uncertain significance (1 of 4 stars; one submission).

gnomAD v4.1: 1 of 1,614,096 alleles (0.000062%); highest among the groups gnomAD compares: Non-Finnish European, 0.000085%; no homozygotes.

Submission:

Labcorp Genetics (formerly Invitae), Labcorp
Classification: Uncertain significance. Last evaluated: 2025-10-26. Review status: criteria provided, single submitter. Criteria: Invitae Variant Classification Sherloc (09022015). Collection method: clinical testing. Allele origin: germline.
Comment: This sequence change replaces lysine, which is basic and polar, with arginine, which is basic and polar, at codon 617 of the KANK1 protein (p.Lys617Arg). This variant is not present in population databases (gnomAD no frequency). This variant has not been reported in the literature in individuals affected with KANK1-related conditions. Invitae Evidence Modeling of protein sequence and biophysical properties (such as structural, functional, and spatial information, amino acid conservation, physicochemical variation, residue mobility, and thermodynamic stability) indicates that this missense variant is not expected to disrupt KANK1 protein function with a negative predictive value of 80%. In summary, the available evidence is currently insufficient to determine the role of this variant in disease. Therefore, it has been classified as a Variant of Uncertain Significance.